The following is an entry in ClinVar:

ClinVar aggregate classification (germline): Pathogenic/Likely pathogenic. Review status: criteria provided, multiple submitters, no conflicts (2 of 4 stars). 4 submissions from 4 submitters: Pathogenic (2); Likely pathogenic (1). 1 of the submissions does not count toward it. Last evaluated 2025-03-23.

Conditions:
Myopathy with abnormal lipid metabolism. Also called: Lipid storage myopathy due to flavin adenine dinucleotide synthetase deficiency. Identifiers: MedGen C4310822, MONDO:0009703, OMIM 255100.

Allele frequency attached by ClinVar (database versions not stated): gnomAD exomes below 0.00001 and 0.00002; TOPMed below 0.00001; gnomAD 0.00002.
gnomAD v4.1: 26 of 1,614,108 alleles (0.0016%); highest among the groups gnomAD compares: Non-Finnish European, 0.0021%; no homozygotes.

Submissions (4):

Variantyx, Inc.
Classification: Likely pathogenic for Myopathy with abnormal lipid metabolism. Last evaluated: 2025-03-23. Review status: criteria provided, single submitter. Criteria: Variantyx Assertion Criteria 2022. Collection method: clinical testing. Allele origin: paternal.
Comment: This is a nonsense variant in the FLAD1 gene (OMIM: 610595). Pathogenic variants in this gene have been associated with autosomal recessive lipid storage myopathy due to flavin adenine dinucleotide synthetase deficiency. This variant introduces a premature termination codon in exon 2 out of 7. It is expected to result in loss of function, which is a known disease mechanism for FLAD1 in this disorder (PMID: 27259049) (PVS1). This variant has a 0.0021% maximum allele frequency in non-founder control populations (PM2_Supporting). Based on the current evidence, this variant is classified as likely pathogenic for autosomal recessive lipid storage myopathy due to flavin adenine dinucleotide synthetase deficiency.

Labcorp Genetics (formerly Invitae), Labcorp
Classification: Pathogenic. Last evaluated: 2025-02-23. Review status: criteria provided, single submitter. Criteria: Invitae Variant Classification Sherloc (09022015). Collection method: clinical testing. Allele origin: germline.
Comment: This sequence change creates a premature translational stop signal (p.Cys136*) in the FLAD1 gene. It is expected to result in an absent or disrupted protein product. Loss-of-function variants in FLAD1 are known to be pathogenic (PMID: 27259049). This variant is present in population databases (no rsID available, gnomAD 0.002%). This variant has not been reported in the literature in individuals affected with FLAD1-related conditions. ClinVar contains an entry for this variant (Variation ID: 373037). For these reasons, this variant has been classified as Pathogenic.

GeneDx
Classification: Pathogenic. Last evaluated: 2016-10-19. Review status: criteria provided, single submitter. Criteria: GeneDx Variant Classification (06012015). Collection method: clinical testing. Allele origin: germline. Affected: yes.
Comment: The C136X pathogenic variant in the FLAD1 gene has not been reported previously as a pathogenic variant nor as a benign variant, to our knowledge. This variant is predicted to cause loss of normal protein function either through protein truncation or nonsense-mediated mRNA decay. The C136X variant was not observed in approximately 6500 individuals of European and African American ancestry in the NHLBI Exome Sequencing Project, indicating it is not a common benign variant in these populations. We interpret C136X as a pathogenic variant.

Genomics England Pilot Project, Genomics England
Classification: Pathogenic for Myopathy with abnormal lipid metabolism. Review status: no assertion criteria provided. Criteria: ACGS Guidelines, 2016. Collection method: clinical testing. Allele origin: germline. Affected: yes. Not counted in ClinVar's aggregate classification.

Literature cited by the submitters: PubMed 27259049 (cited by Labcorp Genetics (formerly Invitae), Labcorp).

NM_025207.5(FLAD1):c.408C>A (p.Cys136Ter)

Gene: FLAD1 (flavin adenine dinucleotide synthetase 1; plus strand). Cytogenetic location: 1q21.3.
Variant type: single nucleotide variant.
Coding change: c.408C>A on transcript NM_025207.5 (MANE Select); coding-DNA position 408, C replaced by A.
Protein change: p.Cys136Ter; replaces cysteine 136 with a stop codon.
Molecular consequence: nonsense.
Genome position (GRCh38, 1-based): chr1:154,988,140, C>A. VCF-style: chr1-154988140-C-A. GRCh37 (hg19) VCF-style: chr1-154960616-C-A.
Other names: c.117C>A, p.Cys39Ter (NM_001184891.2, NM_201398.3); c.111C>A, p.Cys37Ter (NM_001184892.2); short protein forms C136*, C37*, C39*.
Identifiers: ClinVar variation 373037 (VCV000373037.8), dbSNP rs1057518160, ClinGen allele CA16042324.